The following is an entry in ClinVar:

ClinVar aggregate classification (germline): Likely benign. Review status: reviewed by expert panel (3 of 4 stars). 3 submissions from 3 submitters: Likely benign (1). 2 of the submissions do not count toward it. Last evaluated 2024-06-24.

Conditions:
Hereditary thrombocytopenia and hematological cancer predisposition syndrome associated with RUNX1. Also called: RUNX1 Familial Platelet Disorder with Associated Myeloid Malignancies; Familial Platelet Disorder with Propensity to Acute Myelogenous Leukemia; PLATELET DISORDER, ASPIRIN-LIKE; Familial thrombocytopenia with propensity to acute myelogenous leukemia. Identifiers: Orphanet 71290, MedGen C1832388, MeSH C563324, MONDO:0100083, OMIM 601399.
Hereditary thrombocytopenia and hematologic cancer predisposition syndrome. Identifiers: Orphanet 71290, MedGen CN281654, MONDO:0011071.
Inborn genetic diseases. Identifiers: MedGen C0950123, MeSH D030342.

Allele frequency attached by ClinVar (database versions not stated): TOPMed 0.00001.
gnomAD v4.1: 3 of 1,606,270 alleles (0.00019%); highest among the groups gnomAD compares: African/African-American, 0.0013%; no homozygotes.

Submissions (3):

ClinGen Myeloid Malignancy Variant Curation Expert Panel
Classification: Likely benign for Hereditary thrombocytopenia and hematologic cancer predisposition syndrome. Last evaluated: 2024-06-24. Review status: reviewed by expert panel. Criteria: ClinGen MyeloMalig ACMG Specifications v2. Collection method: curation. Allele origin: germline. Inheritance: Autosomal dominant inheritance.
Comment: NM_001754.5(RUNX1):c.1011C>T (p.Pro337=) is a synonymous variant which is absent from gnomAD (PM2_supporting). This variant does not have a REVEL score, and SpliceAI ≤ 0.20 and is not conserved (BP4, BP7). In summary, this variant meets criteria to be classified as likely benign. ACMG/AMP criteria applied, as specified by the Myeloid Malignancy Variant Curation Expert Panel for RUNX1: PM2_supporting, BP4, BP7.

Ambry Genetics
Classification: Likely benign for Inborn genetic diseases. Last evaluated: 2025-04-20. Review status: criteria provided, single submitter. Criteria: Ambry Variant Classification Scheme 2023. Collection method: clinical testing. Allele origin: germline. Not counted in ClinVar's aggregate classification.

Labcorp Genetics (formerly Invitae), Labcorp
Classification: Likely benign for Hereditary thrombocytopenia and hematological cancer predisposition syndrome associated with RUNX1. Last evaluated: 2023-02-26. Review status: criteria provided, single submitter. Criteria: Invitae Variant Classification Sherloc (09022015). Collection method: clinical testing. Allele origin: germline. Not counted in ClinVar's aggregate classification.

NM_001754.5(RUNX1):c.1011C>T (p.Pro337=)

Gene: RUNX1 (RUNX family transcription factor 1; minus strand). Cytogenetic location: 21q22.12.
Variant type: single nucleotide variant.
Coding change: c.1011C>T on transcript NM_001754.5 (MANE Select); coding-DNA position 1011, C replaced by T.
Protein change: p.Pro337=; no amino-acid change (proline 337 retained).
Molecular consequence: synonymous variant.
Genome position (GRCh38, 1-based): chr21:34,792,567, G>A on the plus strand (C>T on the coding strand, the complement: RUNX1 is on the minus strand). VCF-style: chr21-34792567-G-A. GRCh37 (hg19) VCF-style: chr21-36164864-G-A.
Other names: NM_001754.5(RUNX1):c.1011C>T; p.Pro337=; c.930C>T, p.Pro310= (NM_001001890.3).
Identifiers: ClinVar variation 703394 (VCV000703394.12), dbSNP rs1037289303, ClinGen allele CA320251604.